The following is an entry in ClinVar:

NM_182961.4(SYNE1):c.3272G>A (p.Arg1091Gln)

Gene: SYNE1 (spectrin repeat containing nuclear envelope protein 1; minus strand). Cytogenetic location: 6q25.2.
Variant type: single nucleotide variant.
Coding change: c.3272G>A on transcript NM_182961.4 (MANE Select); coding-DNA position 3272, G replaced by A.
Protein change: p.Arg1091Gln; replaces arginine 1091 with glutamine.
Molecular consequence: missense variant.
Genome position (GRCh38, 1-based): chr6:152,450,748, C>T on the plus strand (G>A on the coding strand, the complement: SYNE1 is on the minus strand). VCF-style: chr6-152450748-C-T. GRCh37 (hg19) VCF-style: chr6-152771883-C-T.
Other names: c.3293G>A, p.Arg1098Gln (NM_033071.5); short protein forms R1091Q, R1098Q.
Identifiers: ClinVar variation 3054864 (VCV003054864.2), dbSNP rs755434048, ClinGen allele CA4058877.

ClinVar aggregate classification (germline): Uncertain significance (0 of 4 stars; one submission).

Conditions:
SYNE1-related disorder. Also called: SYNE1-related disease; SYNE1-related condition; SYNE1-related disorders.

gnomAD v4.1: 38 of 1,613,952 alleles (0.0024%); highest among the groups gnomAD compares: South Asian, 0.0033%; no homozygotes.

Submission:

PreventionGenetics, part of Exact Sciences
Classification: Uncertain significance for SYNE1-related condition. Last evaluated: 2024-01-05. Review status: no assertion criteria provided. Collection method: clinical testing. Allele origin: germline.
Comment: The SYNE1 c.3293G>A variant is predicted to result in the amino acid substitution p.Arg1098Gln. To our knowledge, this variant has not been reported in the literature. This variant is reported in 0.0033% of alleles in individuals of South Asian descent in gnomAD. At this time, the clinical significance of this variant is uncertain due to the absence of conclusive functional and genetic evidence.